The following is an entry in ClinVar:

NC_000005.9:g.(?_112151175)_(112151300_?)dup

Gene: APC (APC regulator of Wnt signaling pathway; plus strand). Cytogenetic location: 5q22.2.
Variant type: Duplication.
Identifiers: ClinVar variation 2422177 (VCV002422177.4).

ClinVar aggregate classification (germline): Uncertain significance (1 of 4 stars; one submission).

Conditions:
Familial adenomatous polyposis 1 (FAP1). Also called: FAMILIAL ADENOMATOUS POLYPOSIS 1, ATTENUATED; POLYPOSIS, ADENOMATOUS INTESTINAL. Identifiers: MedGen C2713442, MONDO:0021056, OMIM 175100. Disease mechanism: loss of function.

Submission:

Labcorp Genetics (formerly Invitae), Labcorp
Classification: Uncertain significance for Familial adenomatous polyposis 1. Last evaluated: 2023-07-10. Review status: criteria provided, single submitter. Criteria: Invitae Variant Classification Sherloc (09022015). Collection method: clinical testing. Allele origin: germline.
Comment: This variant results in a copy number gain of the genomic region encompassing exon(s) 9 of the APC gene. While the exact position of this variant cannot be determined from the data, sub-genic copy number gains are generally in tandem (PMID: 25640679). This variant is predicted to be in-frame, and likely preserves the integrity of the reading frame. This variant has not been reported in the literature in individuals affected with APC-related conditions. Experimental studies and prediction algorithms are not available or were not evaluated, and the functional significance of this variant is currently unknown. In summary, the available evidence is currently insufficient to determine the role of this variant in disease. Therefore, it has been classified as a Variant of Uncertain Significance.

Literature cited by the submitters: PubMed 25640679.